The following is an entry in ClinVar:

NM_144997.7(FLCN):c.1048C>T (p.Arg350Trp)

Gene: FLCN (folliculin; minus strand). Cytogenetic location: 17p11.2.
Variant type: single nucleotide variant.
Coding change: c.1048C>T on transcript NM_144997.7 (MANE Select); coding-DNA position 1048, C replaced by T.
Protein change: p.Arg350Trp; replaces arginine 350 with tryptophan.
Molecular consequence: missense variant.
Genome position (GRCh38, 1-based): chr17:17,219,033, G>A on the plus strand (C>T on the coding strand, the complement: FLCN is on the minus strand). VCF-style: chr17-17219033-G-A. GRCh37 (hg19) VCF-style: chr17-17122347-G-A.
Other names: c.1102C>T, p.Arg368Trp (NM_001353229.2); c.1048C>T, p.Arg350Trp (NM_001353230.2, NM_001353231.2); c.1048C>T (LRG_325t1, NM_144997.6); short protein forms R350W, R368W.
Identifiers: ClinVar variation 485589 (VCV000485589.20), dbSNP rs1261069493, ClinGen allele CA398532658.

ClinVar aggregate classification (germline): Conflicting classifications of pathogenicity. Review status: criteria provided, conflicting classifications (1 of 4 stars). 6 submissions from 6 submitters: Uncertain significance (5); Likely benign (1). Last evaluated 2025-12-21.

Conditions:
Birt-Hogg-Dube syndrome. Also called: Birt Hogg Dubé syndrome. Identifiers: Orphanet 122, MedGen C0346010, MONDO:0800444.
Hereditary cancer-predisposing syndrome. Also called: Hereditary neoplastic syndrome; Neoplastic Syndromes, Hereditary; Tumor predisposition; Hereditary Cancer Syndrome. Identifiers: Orphanet 140162, MedGen C0027672, MeSH D009386, MONDO:0015356.

Allele frequency attached by ClinVar (database versions not stated): gnomAD exomes below 0.00001; gnomAD 0.00002; TOPMed 0.00002.
gnomAD v4.1: 32 of 1,613,650 alleles (0.002%); highest among the groups gnomAD compares: African/African-American, 0.0053%; no homozygotes.

Submissions (6):

Labcorp Genetics (formerly Invitae), Labcorp
Classification: Uncertain significance for Birt-Hogg-Dube syndrome. Last evaluated: 2025-12-21. Review status: criteria provided, single submitter. Criteria: Invitae Variant Classification Sherloc (09022015). Collection method: clinical testing. Allele origin: germline.
Comment: This sequence change replaces arginine, which is basic and polar, with tryptophan, which is neutral and slightly polar, at codon 350 of the FLCN protein (p.Arg350Trp). The frequency data for this variant in the population databases is considered unreliable, as metrics indicate poor data quality at this position in the gnomAD database. This variant has not been reported in the literature in individuals affected with FLCN-related conditions. ClinVar contains an entry for this variant (Variation ID: 485589). Invitae Evidence Modeling of protein sequence and biophysical properties (such as structural, functional, and spatial information, amino acid conservation, physicochemical variation, residue mobility, and thermodynamic stability) indicates that this missense variant is expected to disrupt FLCN protein function with a positive predictive value of 80%. In summary, the available evidence is currently insufficient to determine the role of this variant in disease. Therefore, it has been classified as a Variant of Uncertain Significance.

Quest Diagnostics Nichols Institute San Juan Capistrano
Classification: Uncertain significance. Last evaluated: 2025-07-22. Review status: criteria provided, single submitter. Criteria: Quest Diagnostics criteria. Collection method: clinical testing. Allele origin: unknown.
Comment: The FLCN c.1048C>T (p.Arg350Trp) variant has not been reported in individuals with FLCN-related conditions in the published literature. The frequency of this variant in the general population (Genome Aggregation Database) is uninformative in the assessment of its pathogenicity. Analysis of this variant using bioinformatics tools for the prediction of the effect of amino acid changes on protein structure and function yielded conflicting predictions that this variant is benign or damaging. Based on the available information, we are unable to determine the clinical significance of this variant.

GeneDx
Classification: Uncertain significance. Last evaluated: 2024-04-09. Review status: criteria provided, single submitter. Criteria: GeneDx Variant Classification Process June 2021. Collection method: clinical testing. Allele origin: germline. Affected: yes.
Comment: Not observed at significant frequency in large population cohorts (gnomAD); In silico analysis supports that this missense variant has a deleterious effect on protein structure/function; Has not been previously published as pathogenic or benign to our knowledge; This variant is associated with the following publications: (PMID: 17028174)

Blueprint Genetics
Classification: Uncertain significance. Last evaluated: 2023-08-16. Review status: criteria provided, single submitter. Criteria: ACMG Guidelines, 2015. Collection method: clinical testing. Allele origin: germline.

St. Jude Molecular Pathology, St. Jude Children's Research Hospital
Classification: Uncertain significance for Birt-Hogg-Dube syndrome 1. Last evaluated: 2022-08-17. Review status: criteria provided, single submitter. Criteria: St. Jude Assertion Criteria 2020. Collection method: clinical testing. Allele origin: germline.
Comment: The FLCN c.1048C>T (p.Arg350Trp) missense change has a maximum subpopulation frequency of 0.0080% in gnomAD v2.1.1. The in silico tool REVEL predicts a deleterious effect on protein function, but to our knowledge this prediction has not been confirmed by functional studies. In addition, a computational saturation assay on protein structural destabilization showed that this variant would not change protein structure (PMID: 33137092). To our knowledge, this variant has not been reported in individuals with Birt-Hogg-Dubé syndrome. In summary, the evidence currently available is insufficient to determine the clinical significance of this variant. It has therefore been classified as of uncertain significance.

Ambry Genetics
Classification: Likely benign for Hereditary cancer-predisposing syndrome. Last evaluated: 2021-05-17. Review status: criteria provided, single submitter. Criteria: Ambry Variant Classification Scheme 2023. Collection method: clinical testing. Allele origin: germline.

Literature cited by the submitters: PubMed 29127303 (cited by Quest Diagnostics Nichols Institute San Juan Capistrano).